The following is an entry in ClinVar:

NM_001271.4(CHD2):c.757G>A (p.Val253Ile)

Gene: CHD2 (chromodomain helicase DNA binding protein 2; plus strand). Cytogenetic location: 15q26.1.
Variant type: single nucleotide variant.
Coding change: c.757G>A on transcript NM_001271.4 (MANE Select); coding-DNA position 757, G replaced by A.
Protein change: p.Val253Ile; replaces valine 253 with isoleucine.
Molecular consequence: missense variant.
Genome position (GRCh38, 1-based): chr15:92,941,886, G>A. VCF-style: chr15-92941886-G-A. GRCh37 (hg19) VCF-style: chr15-93485116-G-A.
Other names: c.757G>A, p.Val253Ile (NM_001042572.3); short protein forms V253I.
Identifiers: ClinVar variation 1022046 (VCV001022046.9), dbSNP rs2053388088, ClinGen allele CA393900826.

ClinVar aggregate classification (germline): Uncertain significance (1 of 4 stars; one submission).

Conditions:
Developmental and epileptic encephalopathy 94 (DEE94). Also called: CHD2-Related Neurodevelopmental Disorders; Epileptic encephalopathy, childhood-onset. Identifiers: Orphanet 1942, Orphanet 2382, MedGen C3809278, MONDO:0014150, OMIM 615369.

Submission:

Labcorp Genetics (formerly Invitae), Labcorp
Classification: Uncertain significance for Developmental and epileptic encephalopathy 94. Last evaluated: 2020-12-27. Review status: criteria provided, single submitter. Criteria: Invitae Variant Classification Sherloc (09022015). Collection method: clinical testing. Allele origin: germline.
Comment: This variant has not been reported in the literature in individuals with CHD2-related conditions. In summary, the available evidence is currently insufficient to determine the role of this variant in disease. Therefore, it has been classified as a Variant of Uncertain Significance. Advanced modeling of protein sequence and biophysical properties (such as structural, functional, and spatial information, amino acid conservation, physicochemical variation, residue mobility, and thermodynamic stability) performed at Invitae indicates that this missense variant is not expected to disrupt CHD2 protein function. This variant is not present in population databases (ExAC no frequency). This sequence change replaces valine with isoleucine at codon 253 of the CHD2 protein (p.Val253Ile). The valine residue is moderately conserved and there is a small physicochemical difference between valine and isoleucine.